The following is an entry in ClinVar:

ClinVar aggregate classification (germline): Uncertain significance. Review status: criteria provided, multiple submitters, no conflicts (2 of 4 stars). 3 submissions from 3 submitters: Uncertain significance (3). Last evaluated 2024-06-04.

Conditions:
Inborn genetic diseases. Identifiers: MedGen C0950123, MeSH D030342.
Autosomal recessive congenital ichthyosis 2 (ARCI2). Identifiers: Orphanet 281122, Orphanet 79394, MedGen C3888093, MONDO:0009439, OMIM 242100.

Allele frequency attached by ClinVar (database versions not stated): ESP Exome Variant Server 0.00008; ExAC 0.00010; TOPMed 0.00012; gnomAD exomes 0.00013; gnomAD 0.00015 and 0.00016; 1000 Genomes Project 30x 0.00016; 1000 Genomes Project 0.00020.
gnomAD v4.1: 415 of 1,551,542 alleles (0.027%); highest among the groups gnomAD compares: Non-Finnish European, 0.034%; no homozygotes.

Submissions (3):

Ambry Genetics
Classification: Uncertain significance for Inborn genetic diseases. Last evaluated: 2024-06-04. Review status: criteria provided, single submitter. Criteria: Ambry Variant Classification Scheme 2023. Collection method: clinical testing. Allele origin: germline.

GeneDx
Classification: Uncertain significance. Last evaluated: 2019-05-23. Review status: criteria provided, single submitter. Criteria: GeneDx Variant Classification Process June 2021. Collection method: clinical testing. Allele origin: germline. Affected: yes.
Comment: Has not been previously published as pathogenic or benign to our knowledge; In silico analysis, which includes protein predictors and evolutionary conservation, supports a deleterious effect

Illumina Laboratory Services, Illumina
Classification: Uncertain significance for Autosomal recessive congenital ichthyosis 2. Last evaluated: 2018-01-13. Review status: criteria provided, single submitter. Criteria: ICSL Variant Classification Criteria 13 December 2019. Collection method: clinical testing. Allele origin: germline.

NM_001139.3(ALOX12B):c.1040C>T (p.Pro347Leu)

Gene: ALOX12B (arachidonate 12-lipoxygenase, 12R type; minus strand). Cytogenetic location: 17p13.1.
Variant type: single nucleotide variant.
Coding change: c.1040C>T on transcript NM_001139.3 (MANE Select); coding-DNA position 1040, C replaced by T.
Protein change: p.Pro347Leu; replaces proline 347 with leucine.
Molecular consequence: missense variant.
Genome position (GRCh38, 1-based): chr17:8,079,427, G>A on the plus strand (C>T on the coding strand, the complement: ALOX12B is on the minus strand). VCF-style: chr17-8079427-G-A. GRCh37 (hg19) VCF-style: chr17-7982745-G-A.
Other names: c.1040C>T, p.Pro347Leu (LRG_1264t1); short protein forms P347L.
Identifiers: ClinVar variation 325884 (VCV000325884.7), dbSNP rs145726040, ClinGen allele CA8367417.